The following is an entry in ClinVar:

ClinVar aggregate classification (germline): Likely benign. Review status: criteria provided, multiple submitters, no conflicts (2 of 4 stars). 3 submissions from 3 submitters: Likely benign (3). Last evaluated 2025-01-14.

Conditions:
Cardiomyopathy (CMYO). Also called: Cardiomyopathies. Identifiers: Orphanet 167848, MedGen C0878544, MONDO:0004994, HP:0001638. Inheritance: Various modes of inheritance.
Hypertrophic cardiomyopathy. Also called: HYPERTROPHIC MYOCARDIOPATHY. Identifiers: Orphanet 217569, MedGen C0007194, MeSH D002312, MONDO:0005045, HP:0001639.

gnomAD v4.1: 1 of 1,563,588 alleles (0.000064%); highest among the groups gnomAD compares: Non-Finnish European, 0.000087%; no homozygotes.

Submissions (3):

Labcorp Genetics (formerly Invitae), Labcorp
Classification: Likely benign for Hypertrophic cardiomyopathy. Last evaluated: 2025-01-14. Review status: criteria provided, single submitter. Criteria: Invitae Variant Classification Sherloc (09022015). Collection method: clinical testing. Allele origin: germline.

All of Us Research Program, National Institutes of Health
Classification: Likely benign for Hypertrophic cardiomyopathy. Last evaluated: 2023-09-17. Review status: criteria provided, single submitter. Criteria: ACMG Guidelines, 2015. Collection method: clinical testing. Allele origin: germline. Inheritance: Autosomal dominant inheritance. Observed: 2 variant alleles, 2 heterozygotes.
Comment: This study involves interpretation of variants in research participants for the purpose of population health screening. Participant phenotype was not available at the time of variant classification. Additional details can be found in publication PMID: 35346344, PMCID: PMC8962531

Color Diagnostics, LLC DBA Color Health
Classification: Likely benign for Cardiomyopathy. Last evaluated: 2019-04-26. Review status: criteria provided, single submitter. Criteria: ACMG Guidelines, 2015. Collection method: clinical testing. Allele origin: germline.

NM_000256.3(MYBPC3):c.1785C>A (p.Ile595=)

Gene: MYBPC3 (myosin binding protein C3; minus strand). Cytogenetic location: 11p11.2.
Variant type: single nucleotide variant.
Coding change: c.1785C>A on transcript NM_000256.3 (MANE Select); coding-DNA position 1785, C replaced by A.
Protein change: p.Ile595=; no amino-acid change (isoleucine 595 retained).
Molecular consequence: synonymous variant.
Genome position (GRCh38, 1-based): chr11:47,341,996, G>T on the plus strand (C>A on the coding strand, the complement: MYBPC3 is on the minus strand). VCF-style: chr11-47341996-G-T. GRCh37 (hg19) VCF-style: chr11-47363547-G-T.
Identifiers: ClinVar variation 926043 (VCV000926043.5), dbSNP rs572227730, ClinGen allele CA474218686.